The following is an entry in ClinVar:

ClinVar aggregate classification (germline): Uncertain significance. Review status: criteria provided, multiple submitters, no conflicts (2 of 4 stars). 2 submissions from 2 submitters: Uncertain significance (2). Last evaluated 2025-09-04.

Conditions:
Hereditary cancer-predisposing syndrome. Also called: Hereditary Cancer Syndrome; Hereditary neoplastic syndrome; Tumor predisposition; Neoplastic Syndromes, Hereditary. Identifiers: Orphanet 140162, MedGen C0027672, MeSH D009386, MONDO:0015356.
Familial adenomatous polyposis 1 (FAP1). Also called: FAMILIAL ADENOMATOUS POLYPOSIS 1, ATTENUATED; POLYPOSIS, ADENOMATOUS INTESTINAL. Identifiers: MedGen C2713442, MONDO:0021056, OMIM 175100. Disease mechanism: loss of function.

Submissions (2):

Labcorp Genetics (formerly Invitae), Labcorp
Classification: Uncertain significance for Familial adenomatous polyposis 1. Last evaluated: 2025-09-04. Review status: criteria provided, single submitter. Criteria: Invitae Variant Classification Sherloc (09022015). Collection method: clinical testing. Allele origin: germline.
Comment: This sequence change replaces glutamic acid, which is acidic and polar, with glutamine, which is neutral and polar, at codon 2603 of the APC protein (p.Glu2603Gln). This variant is not present in population databases (gnomAD no frequency). This variant has not been reported in the literature in individuals affected with APC-related conditions. ClinVar contains an entry for this variant (Variation ID: 1957434). Invitae Evidence Modeling of protein sequence and biophysical properties (such as structural, functional, and spatial information, amino acid conservation, physicochemical variation, residue mobility, and thermodynamic stability) indicates that this missense variant is not expected to disrupt APC protein function with a negative predictive value of 95%. In summary, the available evidence is currently insufficient to determine the role of this variant in disease. Therefore, it has been classified as a Variant of Uncertain Significance.

Ambry Genetics
Classification: Uncertain significance for Hereditary cancer-predisposing syndrome. Last evaluated: 2025-04-07. Review status: criteria provided, single submitter. Criteria: Ambry Variant Classification Scheme 2023. Collection method: clinical testing. Allele origin: germline.
Comment: The p.E2603Q variant (also known as c.7807G>C), located in coding exon 15 of the APC gene, results from a G to C substitution at nucleotide position 7807. The glutamic acid at codon 2603 is replaced by glutamine, an amino acid with highly similar properties. This amino acid position is conserved. In addition, in silico predictors for this gene do not accurately predict pathogenicity. Based on the available evidence, the clinical significance of this variant remains unclear.

NM_000038.6(APC):c.7807G>C (p.Glu2603Gln)

Gene: APC (APC regulator of Wnt signaling pathway; plus strand). Cytogenetic location: 5q22.2.
Variant type: single nucleotide variant.
Coding change: c.7807G>C on transcript NM_000038.6 (MANE Select); coding-DNA position 7807, G replaced by C.
Protein change: p.Glu2603Gln; replaces glutamic acid 2603 with glutamine.
Molecular consequence: missense variant.
Genome position (GRCh38, 1-based): chr5:112,843,401, G>C. VCF-style: chr5-112843401-G-C. GRCh37 (hg19) VCF-style: chr5-112179098-G-C.
Other names: c.7807G>C, p.Glu2603Gln (NM_001127510.3, NM_001354895.2, NM_001407450.1); c.7753G>C, p.Glu2585Gln (NM_001127511.3); c.7861G>C, p.Glu2621Gln (NM_001354896.2, NM_001407447.1, NM_001407448.1 and 1 more transcripts); c.7837G>C, p.Glu2613Gln (NM_001354897.2); c.7732G>C, p.Glu2578Gln (NM_001354898.2); c.7723G>C, p.Glu2575Gln (NM_001354899.2); c.7684G>C, p.Glu2562Gln (NM_001354900.2); c.7630G>C, p.Glu2544Gln (NM_001354901.2, NM_001407453.1); and 12 more; short protein forms E2219Q, E2502Q, E2575Q, E2593Q, E2621Q, E2631Q, E2443Q, E2544Q.
Identifiers: ClinVar variation 1957434 (VCV001957434.6), dbSNP rs2149994199, ClinGen allele CA16038291.
Genomic context (GRCh38, chr5:112,843,401, plus strand): 5'-AAAGCAAAAAGTGAGGATGAAAAACATGTGAACTCTATTTCAGGAACCAAACAAAGTAAA[G>C]AAAACCAAGTATCCGCAAAAGGAACATGGAGAAAAATAAAAGAAAATGAATTTTCTCCCA-3'
Protein context (NP_000029.2, residues 2593-2613): NSISGTKQSK[Glu2603Gln]NQVSAKGTWR